The following is an entry in ClinVar:

NM_181776.3(SLC36A2):c.413G>A (p.Trp138Ter)

Gene: SLC36A2 (solute carrier family 36 member 2; minus strand). Cytogenetic location: 5q33.1.
Variant type: single nucleotide variant.
Coding change: c.413G>A on transcript NM_181776.3 (MANE Select); coding-DNA position 413, G replaced by A.
Protein change: p.Trp138Ter; replaces tryptophan 138 with a stop codon.
Molecular consequence: nonsense.
Genome position (GRCh38, 1-based): chr5:151,342,915, C>T on the plus strand (G>A on the coding strand, the complement: SLC36A2 is on the minus strand). VCF-style: chr5-151342915-C-T. GRCh37 (hg19) VCF-style: chr5-150722476-C-T.
Other names: short protein forms W138*.
Identifiers: ClinVar variation 3671168 (VCV003671168.2).

ClinVar aggregate classification (germline): Uncertain significance (1 of 4 stars; one submission).

gnomAD v4.1: 13 of 1,614,142 alleles (0.00081%); highest among the groups gnomAD compares: Admixed American, 0.022%; no homozygotes.

Submission:

Labcorp Genetics (formerly Invitae), Labcorp
Classification: Uncertain significance. Last evaluated: 2024-10-02. Review status: criteria provided, single submitter. Criteria: Invitae Variant Classification Sherloc (09022015). Collection method: clinical testing. Allele origin: germline.
Comment: This sequence change creates a premature translational stop signal (p.Trp138*) in the SLC36A2 gene. It is expected to result in an absent or disrupted protein product. However, the current clinical and genetic evidence is not sufficient to establish whether loss-of-function variants in SLC36A2 cause disease. This variant is present in population databases (rs542816168, gnomAD 0.02%). This variant has not been reported in the literature in individuals affected with SLC36A2-related conditions. In summary, the available evidence is currently insufficient to determine the role of this variant in disease. Therefore, it has been classified as a Variant of Uncertain Significance.